The following is an entry in ClinVar:

NM_032888.4(COL27A1):c.4741C>A (p.Pro1581Thr)

Gene: COL27A1 (collagen type XXVII alpha 1 chain; plus strand). Cytogenetic location: 9q32.
Variant type: single nucleotide variant.
Coding change: c.4741C>A on transcript NM_032888.4 (MANE Select); coding-DNA position 4741, C replaced by A.
Protein change: p.Pro1581Thr; replaces proline 1581 with threonine.
Molecular consequence: missense variant.
Genome position (GRCh38, 1-based): chr9:114,301,111, C>A. VCF-style: chr9-114301111-C-A. GRCh37 (hg19) VCF-style: chr9-117063391-C-A.
Other names: c.4741C>A (NM_032888.2); short protein forms P1581T.
Identifiers: ClinVar variation 2143662 (VCV002143662.2), dbSNP rs150497649, ClinGen allele CA5203062.

ClinVar aggregate classification (germline): Uncertain significance. Review status: criteria provided, multiple submitters, no conflicts (2 of 4 stars). 2 submissions from 2 submitters: Uncertain significance (2). Last evaluated 2025-08-27.

Conditions:
Inborn genetic diseases. Identifiers: MedGen C0950123, MeSH D030342.

Allele frequency attached by ClinVar (database versions not stated): TOPMed 0.00014; ESP Exome Variant Server 0.00031.
gnomAD v4.1: 90 of 1,613,494 alleles (0.0056%); highest among the groups gnomAD compares: African/African-American, 0.041%; no homozygotes.

Submissions (2):

Ambry Genetics
Classification: Uncertain significance for Inborn genetic diseases. Last evaluated: 2025-08-27. Review status: criteria provided, single submitter. Criteria: Ambry Variant Classification Scheme 2023. Collection method: clinical testing. Allele origin: germline.

Labcorp Genetics (formerly Invitae), Labcorp
Classification: Uncertain significance. Last evaluated: 2022-10-07. Review status: criteria provided, single submitter. Criteria: Invitae Variant Classification Sherloc (09022015). Collection method: clinical testing. Allele origin: germline.
Comment: This sequence change replaces proline, which is neutral and non-polar, with threonine, which is neutral and polar, at codon 1581 of the COL27A1 protein (p.Pro1581Thr). This variant is present in population databases (rs150497649, gnomAD 0.05%). This variant has not been reported in the literature in individuals affected with COL27A1-related conditions. Advanced modeling of protein sequence and biophysical properties (such as structural, functional, and spatial information, amino acid conservation, physicochemical variation, residue mobility, and thermodynamic stability) performed at Invitae indicates that this missense variant is expected to disrupt COL27A1 protein function. In summary, the available evidence is currently insufficient to determine the role of this variant in disease. Therefore, it has been classified as a Variant of Uncertain Significance.